The following is an entry in ClinVar:

NM_001291303.3(FAT4):c.12144T>C (p.Tyr4048=)

Gene: FAT4 (FAT atypical cadherin 4; plus strand). Cytogenetic location: 4q28.1.
Variant type: single nucleotide variant.
Coding change: c.12144T>C on transcript NM_001291303.3 (MANE Select); coding-DNA position 12144, T replaced by C.
Protein change: p.Tyr4048=; no amino-acid change (tyrosine 4048 retained).
Molecular consequence: synonymous variant.
Genome position (GRCh38, 1-based): chr4:125,468,750, T>C. VCF-style: chr4-125468750-T-C. GRCh37 (hg19) VCF-style: chr4-126389905-T-C.
Other names: c.12144T>C, p.Tyr4048= (NM_001291285.3); c.12138T>C, p.Tyr4046= (NM_024582.6).
Identifiers: ClinVar variation 748825 (VCV000748825.10), dbSNP rs1475901716, ClinGen allele CA441373019.

ClinVar aggregate classification (germline): Likely benign. Review status: criteria provided, multiple submitters, no conflicts (2 of 4 stars). 3 submissions from 3 submitters: Likely benign (3). Last evaluated 2026-06-01.

Allele frequency attached by ClinVar (database versions not stated): gnomAD exomes below 0.00001; gnomAD 0.00001.
gnomAD v4.1: 5 of 1,614,132 alleles (0.00031%); highest among the groups gnomAD compares: African/African-American, 0.004%; no homozygotes.

Submissions (3):

CeGaT Center for Human Genetics Tuebingen
Classification: Likely benign. Last evaluated: 2026-06-01. Review status: criteria provided, single submitter. Criteria: CeGaT Center For Human Genetics Tuebingen Variant Classification Criteria Version 2. Collection method: clinical testing. Allele origin: germline. Affected: yes. Observed: 1 variant allele.
Comment: FAT4: BP4, BP7

Blueprint Genetics
Classification: Likely benign. Last evaluated: 2024-09-13. Review status: criteria provided, single submitter. Criteria: ACMG Guidelines, 2015. Collection method: clinical testing. Allele origin: germline.

Labcorp Genetics (formerly Invitae), Labcorp
Classification: Likely benign. Last evaluated: 2024-04-16. Review status: criteria provided, single submitter. Criteria: Invitae Variant Classification Sherloc (09022015). Collection method: clinical testing. Allele origin: germline.